The following is an entry in ClinVar:

NM_005633.4(SOS1):c.1880T>G (p.Phe627Cys)

Gene: SOS1 (SOS Ras/Rac guanine nucleotide exchange factor 1; minus strand). Cytogenetic location: 2p22.1.
Variant type: single nucleotide variant.
Coding change: c.1880T>G on transcript NM_005633.4 (MANE Select); coding-DNA position 1880, T replaced by G.
Protein change: p.Phe627Cys; replaces phenylalanine 627 with cysteine.
Molecular consequence: missense variant.
Genome position (GRCh38, 1-based): chr2:39,014,825, A>C on the plus strand (T>G on the coding strand, the complement: SOS1 is on the minus strand). VCF-style: chr2-39014825-A-C. GRCh37 (hg19) VCF-style: chr2-39241966-A-C.
Other names: c.1859T>G, p.Phe620Cys (NM_001382394.1); c.1880T>G, p.Phe627Cys (NM_001382395.1); short protein forms F627C, F620C.
Identifiers: ClinVar variation 373077 (VCV000373077.4), dbSNP rs1057518197, ClinGen allele CA16042393.

ClinVar aggregate classification (germline): Uncertain significance. Review status: criteria provided, multiple submitters, no conflicts (2 of 4 stars). 2 submissions from 2 submitters: Uncertain significance (2). Last evaluated 2023-05-04.

Conditions:
RASopathy. Also called: Noonan spectrum disorder; rasopathies. Identifiers: Orphanet 536391, MedGen C5555857, MONDO:0021060.

Submissions (2):

Labcorp Genetics (formerly Invitae), Labcorp
Classification: Uncertain significance for RASopathy. Last evaluated: 2023-05-04. Review status: criteria provided, single submitter. Criteria: Invitae Variant Classification Sherloc (09022015). Collection method: clinical testing. Allele origin: germline.
Comment: ClinVar contains an entry for this variant (Variation ID: 373077). This variant has not been reported in the literature in individuals affected with SOS1-related conditions. This variant is not present in population databases (gnomAD no frequency). This sequence change replaces phenylalanine, which is neutral and non-polar, with cysteine, which is neutral and slightly polar, at codon 627 of the SOS1 protein (p.Phe627Cys). Advanced modeling of protein sequence and biophysical properties (such as structural, functional, and spatial information, amino acid conservation, physicochemical variation, residue mobility, and thermodynamic stability) performed at Invitae indicates that this missense variant is expected to disrupt SOS1 protein function. In summary, the available evidence is currently insufficient to determine the role of this variant in disease. Therefore, it has been classified as a Variant of Uncertain Significance.

GeneDx
Classification: Uncertain significance. Last evaluated: 2016-10-31. Review status: criteria provided, single submitter. Criteria: GeneDx Variant Classification (06012015). Collection method: clinical testing. Allele origin: germline. Affected: yes.
Comment: The F627C variant in the SOS1 gene has not been reported previously as a pathogenic variant, nor as a benign variant, to our knowledge. This variant was not observed in approximately 6500 individuals of European and African American ancestry in the NHLBI Exome Sequencing Project, indicating it is not a common benign variant in these populations. The F627C variant is a non-conservative amino acid substitution, which is likely to impact secondary protein structure as these residues differ in polarity, charge, size and/or other properties. This substitution occurs at a position that is conserved across species, and in silico analysis predicts this variant is probably damaging to the protein structure/function. We interpret F627C as a variant of uncertain significance